The following is an entry in ClinVar:

NM_001298.3(CNGA3):c.1871A>G (p.Lys624Arg)

Gene: CNGA3 (cyclic nucleotide gated channel subunit alpha 3; plus strand). Cytogenetic location: 2q11.2.
Variant type: single nucleotide variant.
Coding change: c.1871A>G on transcript NM_001298.3 (MANE Select); coding-DNA position 1871, A replaced by G.
Protein change: p.Lys624Arg; replaces lysine 624 with arginine.
Molecular consequence: missense variant.
Genome position (GRCh38, 1-based): chr2:98,397,041, A>G. VCF-style: chr2-98397041-A-G. GRCh37 (hg19) VCF-style: chr2-99013504-A-G.
Other names: c.1817A>G, p.Lys606Arg (NM_001079878.2); short protein forms K606R, K624R.
Identifiers: ClinVar variation 1930704 (VCV001930704.5), dbSNP rs773176537, ClinGen allele CA1794109.

ClinVar aggregate classification (germline): Uncertain significance (1 of 4 stars; one submission).

Allele frequency attached by ClinVar (database versions not stated): gnomAD exomes below 0.00001; TOPMed 0.00001.
gnomAD v4.1: 7 of 1,614,134 alleles (0.00043%); highest among the groups gnomAD compares: Admixed American, 0.0017%; no homozygotes.

Submission:

Labcorp Genetics (formerly Invitae), Labcorp
Classification: Uncertain significance. Last evaluated: 2022-02-03. Review status: criteria provided, single submitter. Criteria: Invitae Variant Classification Sherloc (09022015). Collection method: clinical testing. Allele origin: germline.
Comment: Advanced modeling of protein sequence and biophysical properties (such as structural, functional, and spatial information, amino acid conservation, physicochemical variation, residue mobility, and thermodynamic stability) performed at Invitae indicates that this missense variant is not expected to disrupt CNGA3 protein function. This variant has not been reported in the literature in individuals affected with CNGA3-related conditions. This variant is present in population databases (rs773176537, gnomAD 0.0009%). This sequence change replaces lysine, which is basic and polar, with arginine, which is basic and polar, at codon 624 of the CNGA3 protein (p.Lys624Arg). Algorithms developed to predict the effect of sequence changes on RNA splicing suggest that this variant may create or strengthen a splice site. In summary, the available evidence is currently insufficient to determine the role of this variant in disease. Therefore, it has been classified as a Variant of Uncertain Significance.